The following is an entry in ClinVar:

NM_015443.4(KANSL1):c.862C>T (p.Leu288=)

Gene: KANSL1 (KAT8 regulatory NSL complex subunit 1). Cytogenetic location: 17q21.31.
Variant type: single nucleotide variant.
Coding change: c.862C>T on transcript NM_015443.4 (MANE Select); coding-DNA position 862, C replaced by T.
Protein change: p.Leu288=; no amino-acid change (leucine 288 retained).
Molecular consequence: synonymous variant.
Genome position (GRCh38, 1-based): chr17:46,171,282, G>A on the plus strand (C>T on the coding strand, the complement: KANSL1 is on the minus strand). VCF-style: chr17-46171282-G-A. GRCh37 (hg19) VCF-style: chr17-44248648-G-A.
Other names: c.862C>T, p.Leu288= (NM_001193465.2, NM_001193466.2, NM_001379198.1).
Identifiers: ClinVar variation 390993 (VCV000390993.1), dbSNP rs144805634, ClinGen allele CA8618940.

ClinVar aggregate classification (germline): Likely benign (1 of 4 stars; one submission).

Allele frequency attached by ClinVar (database versions not stated): gnomAD 0.00002 and 0.00010; ESP Exome Variant Server 0.00008; gnomAD exomes 0.00004; ExAC 0.00007.
gnomAD v4.1: 61 of 1,614,034 alleles (0.0038%); highest among the groups gnomAD compares: Non-Finnish European, 0.0038%; no homozygotes.

Submission:

GeneDx
Classification: Likely benign. Last evaluated: 2016-11-16. Review status: criteria provided, single submitter. Criteria: GeneDx Variant Classification (06012015). Collection method: clinical testing. Allele origin: germline. Affected: yes.
Comment: This variant is considered likely benign or benign based on one or more of the following criteria: it is a conservative change, it occurs at a poorly conserved position in the protein, it is predicted to be benign by multiple in silico algorithms, and/or has population frequency not consistent with disease.